The following is an entry in ClinVar:

ClinVar aggregate classification (germline): Likely pathogenic (1 of 4 stars; one submission).

Conditions:
Miyoshi muscular dystrophy 1 (MMD1). Identifiers: Orphanet 45448, MedGen C4551973, MONDO:0024545, OMIM 254130.

Submission:

3billion
Classification: Likely pathogenic for Miyoshi muscular dystrophy 1. Last evaluated: 2024-12-10. Review status: criteria provided, single submitter. Criteria: ACMG Guidelines, 2015. Collection method: clinical testing. Allele origin: germline. Affected: yes.
Comment: The variant is not observed in the gnomAD v4.1.0 dataset. Predicted Consequence/Location: Frameshift: predicted to result in a loss or disruption of normal protein function through nonsense-mediated decay (NMD) or protein truncation. Multiple pathogenic variants are reported downstream of the variant. Therefore, this variant is classified as Likely pathogenic according to the recommendation of ACMG/AMP guideline.

NM_001130987.2(DYSF):c.2125_2128del (p.Gln709fs)

Gene: DYSF (dysferlin; plus strand). Cytogenetic location: 2p13.2.
Variant type: Deletion.
Coding change: c.2125_2128del on transcript NM_001130987.2 (MANE Select); coding-DNA positions 2125 to 2128, 4 bases deleted (CAGG; older notation c.2125_2128delCAGG).
Protein change: p.Gln709fs; shifts the reading frame from glutamine 709.
Molecular consequence: frameshift variant.
Genome position (GRCh38, 1-based): chr2:71,555,980-71,555,983, CAGG deleted; deleting any 4 consecutive bases within chr2:71,555,979-71,555,983 gives the same sequence; the c. name uses the placement nearest the transcript's 3' end. VCF-style (leftmost placement, unchanged base first): chr2-71555978-AGCAG-A. GRCh37 (hg19) VCF-style: chr2-71783108-AGCAG-A.
Other names: c.2074_2077del, p.Gln692fs (NM_001130455.2, NM_001130983.2); c.2029_2032del, p.Gln677fs (NM_001130976.2, NM_001130977.2); c.2071_2074del, p.Gln691fs (NM_001130978.2, NM_003494.4); c.2164_2167del, p.Gln722fs (NM_001130979.2); c.2122_2125del, p.Gln708fs (NM_001130980.2, NM_001130981.2); c.2167_2170del, p.Gln723fs (NM_001130982.2); c.2032_2035del, p.Gln678fs (NM_001130984.2, NM_001130986.2); c.2125_2128del, p.Gln709fs (NM_001130985.2); short protein forms Q677fs, Q678fs, Q691fs, Q692fs, Q708fs, Q709fs, Q722fs, Q723fs.
Identifiers: ClinVar variation 4294100 (VCV004294100.1).